The following is an entry in ClinVar:

NM_002470.4(MYH3):c.5263A>G (p.Lys1755Glu)

Gene: MYH3 (myosin heavy chain 3; minus strand). Cytogenetic location: 17p13.1.
Variant type: single nucleotide variant.
Coding change: c.5263A>G on transcript NM_002470.4 (MANE Select); coding-DNA position 5263, A replaced by G.
Protein change: p.Lys1755Glu; replaces lysine 1755 with glutamic acid.
Molecular consequence: missense variant.
Genome position (GRCh38, 1-based): chr17:10,631,634, T>C on the plus strand (A>G on the coding strand, the complement: MYH3 is on the minus strand). VCF-style: chr17-10631634-T-C. GRCh37 (hg19) VCF-style: chr17-10534951-T-C.
Other names: short protein forms K1755E.
Identifiers: ClinVar variation 3718862 (VCV003718862.2).

ClinVar aggregate classification (germline): Uncertain significance (1 of 4 stars; one submission).

gnomAD v4.1: 25 of 1,613,900 alleles (0.0015%); highest among the groups gnomAD compares: East Asian, 0.038%; no homozygotes.

Submission:

Labcorp Genetics (formerly Invitae), Labcorp
Classification: Uncertain significance. Last evaluated: 2026-01-12. Review status: criteria provided, single submitter. Criteria: Invitae Variant Classification Sherloc (09022015). Collection method: clinical testing. Allele origin: germline.
Comment: This sequence change replaces lysine, which is basic and polar, with glutamic acid, which is acidic and polar, at codon 1755 of the MYH3 protein (p.Lys1755Glu). This variant is present in population databases (rs546653497, gnomAD 0.02%). This variant has not been reported in the literature in individuals affected with MYH3-related conditions. ClinVar contains an entry for this variant (Variation ID: 3718862). Invitae Evidence Modeling of protein sequence and biophysical properties (such as structural, functional, and spatial information, amino acid conservation, physicochemical variation, residue mobility, and thermodynamic stability) indicates that this missense variant is not expected to disrupt MYH3 protein function with a negative predictive value of 95%. In summary, the available evidence is currently insufficient to determine the role of this variant in disease. Therefore, it has been classified as a Variant of Uncertain Significance.